The following is an entry in ClinVar:

ClinVar aggregate classification (germline): Conflicting classifications of pathogenicity. Review status: criteria provided, conflicting classifications (1 of 4 stars). 9 submissions from 9 submitters: Uncertain significance (7); Likely benign (1). 1 of the submissions does not count toward it. Last evaluated 2025-08-28.

Conditions:
Familial colorectal cancer type X. Identifiers: Orphanet 440437, MedGen C3896578, MONDO:0018604.
Hereditary cancer-predisposing syndrome. Also called: Neoplastic Syndromes, Hereditary; Hereditary Cancer Syndrome; Tumor predisposition; Hereditary neoplastic syndrome. Identifiers: Orphanet 140162, MedGen C0027672, MeSH D009386, MONDO:0015356.
Ataxia-telangiectasia syndrome (AT). Also called: LOUIS-BAR SYNDROME; Cerebello-oculocutaneous telangiectasia; Immunodeficiency with ataxia telangiectasia; Ataxia-telangiectasia, complementation group D; AT, COMPLEMENTATION GROUP C; Ataxia-telangiectasia, complementation group E. Identifiers: Orphanet 100, MedGen C0004135, MONDO:0008840, OMIM 208900.

Allele frequency attached by ClinVar (database versions not stated): ExAC 0.00001; gnomAD 0.00001.
gnomAD v4.1: 4 of 1,613,454 alleles (0.00025%); highest among the groups gnomAD compares: Middle Eastern, 0.017%; no homozygotes.

Submissions (9):

Labcorp Genetics (formerly Invitae), Labcorp
Classification: Uncertain significance for Ataxia-telangiectasia syndrome. Last evaluated: 2025-08-28. Review status: criteria provided, single submitter. Criteria: Invitae Variant Classification Sherloc (09022015). Collection method: clinical testing. Allele origin: germline.
Comment: This sequence change replaces isoleucine, which is neutral and non-polar, with valine, which is neutral and non-polar, at codon 2609 of the ATM protein (p.Ile2609Val). This variant is present in population databases (rs779400418, gnomAD 0.003%). This variant has not been reported in the literature in individuals affected with ATM-related conditions. ClinVar contains an entry for this variant (Variation ID: 418044). Invitae Evidence Modeling of protein sequence and biophysical properties (such as structural, functional, and spatial information, amino acid conservation, physicochemical variation, residue mobility, and thermodynamic stability) indicates that this missense variant is not expected to disrupt ATM protein function with a negative predictive value of 95%. In summary, the available evidence is currently insufficient to determine the role of this variant in disease. Therefore, it has been classified as a Variant of Uncertain Significance.

Ambry Genetics
Classification: Likely benign for Hereditary cancer-predisposing syndrome. Last evaluated: 2025-02-10. Review status: criteria provided, single submitter. Criteria: Ambry Variant Classification Scheme 2023. Collection method: clinical testing. Allele origin: germline.

Quest Diagnostics Nichols Institute San Juan Capistrano
Classification: Uncertain significance. Last evaluated: 2024-09-21. Review status: criteria provided, single submitter. Criteria: Quest Diagnostics criteria. Collection method: clinical testing. Allele origin: unknown.
Comment: The ATM c.7825A>G (p.Ile2609Val) variant has not been reported in individuals with ATM-related conditions in the published literature. The frequency of this variant in the general population, 0.000004 (1/250676 chromosomes (Genome Aggregation Database)), is uninformative in the assessment of its pathogenicity. Analysis of this variant using bioinformatics tools for the prediction of the effect of amino acid changes on protein structure and function yielded predictions that this variant is benign. Based on the available information, we are unable to determine the clinical significance of this variant.

Department of Pathology and Laboratory Medicine, Sinai Health System
Classification: Uncertain significance for Familial colorectal cancer type X. Last evaluated: 2024-01-29. Review status: criteria provided, single submitter. Criteria: ACMG Guidelines, 2015. Collection method: clinical testing. Allele origin: germline. Affected: yes.

Blueprint Genetics
Classification: Uncertain significance. Last evaluated: 2023-10-23. Review status: criteria provided, single submitter. Criteria: ACMG Guidelines, 2015. Collection method: clinical testing. Allele origin: germline.

GeneDx
Classification: Uncertain significance. Last evaluated: 2022-04-19. Review status: criteria provided, single submitter. Criteria: GeneDx Variant Classification Process June 2021. Collection method: clinical testing. Allele origin: germline. Affected: yes.
Comment: Not observed at a significant frequency in large population cohorts (gnomAD); In silico analysis supports that this missense variant does not alter protein structure/function; Has not been previously published as pathogenic or benign to our knowledge

Sema4
Classification: Uncertain significance for Hereditary cancer-predisposing syndrome. Last evaluated: 2022-02-28. Review status: criteria provided, single submitter. Criteria: Sema4 Curation Guidelines. Collection method: curation. Allele origin: germline.
Comment: The ATM c.7825A>G (p.I2609V) variant has not been reported in the literature to our knowledge. It was observed in 1/30606 chromosomes in the South Asian population according to the Genome Aggregation Database (PMID: 32461654). This variant has been reported in ClinVar (Variation ID: 418044). Functional studies have not been performed, and in silico predictions of the variant's effect on protein function are inconclusive. The evidence is insufficient to meet ACMG/AMP criteria for classifying the variant as benign or pathogenic. Thus, the clinical significance of this variant is currently uncertain.

Color Diagnostics, LLC DBA Color Health
Classification: Uncertain significance for Hereditary cancer-predisposing syndrome. Last evaluated: 2020-04-28. Review status: criteria provided, single submitter. Criteria: ACMG Guidelines, 2015. Collection method: clinical testing. Allele origin: germline.
Comment: This missense variant replaces isoleucine with valine at codon 2609 of the ATM protein. Computational prediction suggests that this variant may not impact protein structure and function (internally defined REVEL score threshold <= 0.5, PMID: 27666373). Splice site prediction tools suggest that this variant may not impact RNA splicing. To our knowledge, functional studies have not been reported for this variant. This variant has not been reported in individuals affected with hereditary cancer in the literature. This variant has been identified in 1/250676 chromosomes in the general population by the Genome Aggregation Database (gnomAD). The available evidence is insufficient to determine the role of this variant in disease conclusively. Therefore, this variant is classified as a Variant of Uncertain Significance.

Natera, Inc.
Classification: Uncertain significance for Ataxia-telangiectasia. Last evaluated: 2021-08-18. Review status: no assertion criteria provided. Collection method: clinical testing. Allele origin: germline. Not counted in ClinVar's aggregate classification.

NM_000051.4(ATM):c.7825A>G (p.Ile2609Val)

Genes: ATM (ATM serine/threonine kinase; plus strand), C11orf65 (chromosome 11 open reading frame 65; minus strand). Cytogenetic location: 11q22.3.
Variant type: single nucleotide variant.
Coding change: c.7825A>G on transcript NM_000051.4 (MANE Select); coding-DNA position 7825, A replaced by G.
Protein change: p.Ile2609Val; replaces isoleucine 2609 with valine.
Molecular consequence: missense variant. On other transcripts: intron variant (2).
Genome position (GRCh38, 1-based): chr11:108,332,798, A>G. VCF-style: chr11-108332798-A-G. GRCh37 (hg19) VCF-style: chr11-108203525-A-G.
Other names: c.7825A>G, p.Ile2609Val (NM_001351834.2); c.641-23727T>C (NM_001330368.2); c.*38+2422T>C (NM_001351110.2); short protein forms I2609V.
Identifiers: ClinVar variation 418044 (VCV000418044.37), dbSNP rs779400418, ClinGen allele CA6266196.